The following is an entry in ClinVar:

ClinVar aggregate classification (germline): Likely benign. Review status: criteria provided, multiple submitters, no conflicts (2 of 4 stars). 4 submissions from 4 submitters: Likely benign (4). Last evaluated 2024-12-04.

Conditions:
Charcot-Marie-Tooth disease type 2. Also called: Charcot-Marie-Tooth type 2. Identifiers: Orphanet 64746, MedGen C0270914, MONDO:0018993.

Allele frequency attached by ClinVar (database versions not stated): ExAC below 0.00001; gnomAD exomes 0.00002; TOPMed 0.00002; gnomAD 0.00003.
gnomAD v4.1: 41 of 1,543,094 alleles (0.0027%); highest among the groups gnomAD compares: Non-Finnish European, 0.0034%; no homozygotes.

Submissions (4):

Labcorp Genetics (formerly Invitae), Labcorp
Classification: Likely benign for Charcot-Marie-Tooth disease type 2. Last evaluated: 2024-12-04. Review status: criteria provided, single submitter. Criteria: Invitae Variant Classification Sherloc (09022015). Collection method: clinical testing. Allele origin: germline.

CeGaT Center for Human Genetics Tuebingen
Classification: Likely benign. Last evaluated: 2024-07-01. Review status: criteria provided, single submitter. Criteria: CeGaT Center For Human Genetics Tuebingen Variant Classification Criteria Version 2. Collection method: clinical testing. Allele origin: germline. Affected: yes. Observed: 2 variant alleles.
Comment: GARS1: BP4, BP7

Ambry Genetics
Classification: Likely benign. Last evaluated: 2019-07-11. Review status: criteria provided, single submitter. Criteria: Ambry Variant Classification Scheme 2023. Collection method: clinical testing. Allele origin: germline.

Athena Diagnostics
Classification: Likely benign. Last evaluated: 2018-05-29. Review status: criteria provided, single submitter. Criteria: Athena Diagnostics Criteria. Collection method: clinical testing. Allele origin: germline.

NM_002047.4(GARS1):c.174G>A (p.Ala58=)

Gene: GARS1 (glycyl-tRNA synthetase 1; plus strand). Cytogenetic location: 7p14.3.
Variant type: single nucleotide variant.
Coding change: c.174G>A on transcript NM_002047.4 (MANE Select); coding-DNA position 174, G replaced by A.
Protein change: p.Ala58=; no amino-acid change (alanine 58 retained).
Molecular consequence: synonymous variant.
Genome position (GRCh38, 1-based): chr7:30,595,095, G>A. VCF-style: chr7-30595095-G-A. GRCh37 (hg19) VCF-style: chr7-30634711-G-A.
Other names: c.12G>A, p.Ala4= (NM_001316772.1); c.174G>A (LRG_243t1).
Identifiers: ClinVar variation 585900 (VCV000585900.39), dbSNP rs747227947, ClinGen allele CA4205604.